The following is an entry in ClinVar:

NM_178338.2(APRG1):c.*164T>C

Gene: APRG1 (APRG1 tumor suppressor candidate; plus strand). Cytogenetic location: 3p22.2.
Variant type: single nucleotide variant.
Coding change: c.*164T>C on transcript NM_178338.2; 164 bases downstream of the stop codon, T replaced by C.
Molecular consequence: missense variant (on NM_178340.1). On other transcripts: non-coding transcript variant (3).
Genome position (GRCh38, 1-based): chr3:37,435,032, T>C. VCF-style: chr3-37435032-T-C. GRCh37 (hg19) VCF-style: chr3-37476523-T-C.
Other names: NM_178339.2:c.415T>C; c.194T>C, p.Leu65Pro (NM_178340.1); c.*51T>C (NM_178341.1); short protein forms L65P.
Identifiers: ClinVar variation 3045795 (VCV003045795.2), dbSNP rs773634992, ClinGen allele CA2310280.

ClinVar aggregate classification (germline): Likely benign (0 of 4 stars; one submission).

Conditions:
APRG1-related disorder. Also called: APRG1-related condition.

Allele frequency attached by ClinVar (database versions not stated): gnomAD 0.00004; TOPMed 0.00013; gnomAD exomes 0.00032; ExAC 0.00042.

Submission:

PreventionGenetics, part of Exact Sciences
Classification: Likely benign for APRG1-related condition. Last evaluated: 2023-03-07. Review status: no assertion criteria provided. Collection method: clinical testing. Allele origin: germline.
Comment: This variant is classified as likely benign based on ACMG/AMP sequence variant interpretation guidelines (Richards et al. 2015 PMID: 25741868, with internal and published modifications).